The following is an entry in ClinVar:

ClinVar aggregate classification (germline): Uncertain significance. Review status: criteria provided, multiple submitters, no conflicts (2 of 4 stars). 2 submissions from 2 submitters: Uncertain significance (2). Last evaluated 2023-01-21.

Conditions:
Cataract 14 multiple types. Also called: CATARACT 14, ZONULAR PULVERULENT; CATARACT 14, NUCLEAR PULVERULENT; CATARACT 14, NUCLEAR PULVERULENT AND POSTERIOR POLAR; CATARACT 14, NUCLEAR CORALLIFORM; CATARACT 14, EMBRYONAL NUCLEAR; CATARACT 14, COPPOCK-LIKE. Identifiers: Orphanet 91492, MedGen C1866078, MONDO:0011162, OMIM 601885.

Submissions (2):

Dept. Genetics and Cancer, Menzies Institute for Medical Research, University of Tasmania
Classification: Uncertain significance for Cataract 14 multiple types. Last evaluated: 2023-01-21. Review status: criteria provided, single submitter. Criteria: ACMG Guidelines, 2015. Collection method: curation. Allele origin: germline. Affected: yes.
Comment: Variant identified and curated during a GJA3 specific review of the literature in relation to pediatric or congenital cataract. ACMG-AMP criteria applied: PM2(Supporting), PP1, PP3. Original variant report: PMID:28877251. The cataract phenotype reported for this variant is: Pulverulent nuclear. Gene review and curation guidelines are outlined in: DOI 10.1080/17469899.2023.2160320

Labcorp Genetics (formerly Invitae), Labcorp
Classification: Uncertain significance for Cataract 14 multiple types. Last evaluated: 2017-09-13. Review status: criteria provided, single submitter. Criteria: Invitae Variant Classification Sherloc (09022015). Collection method: clinical testing. Allele origin: germline.
Comment: In summary, the available evidence is currently insufficient to determine the role of this variant in disease. Therefore, it has been classified as a Variant of Uncertain Significance. Experimental studies have shown that this missense change alters the normal expression level and the distribution of protein in cells (PMID: 28877251). However, the clinical significant of this finding is unknown. This variant has been reported to segregate with bilateral pulverulent nuclear cataracts in multiple affected individuals from a single family (PMID: 28877251). This variant is not present in population databases (ExAC no frequency). This sequence change replaces threonine with isoleucine at codon 148 of the GJA3 protein (p.Thr148Ile). The threonine residue is highly conserved and there is a moderate physicochemical difference between threonine and isoleucine.

Literature cited by the submitters: PubMed 28877251 (cited by Dept. Genetics and Cancer, Menzies Institute for Medical Research, University of Tasmania and Labcorp Genetics (formerly Invitae), Labcorp).

NM_021954.4(GJA3):c.443C>T (p.Thr148Ile)

Gene: GJA3 (gap junction protein alpha 3; minus strand). Cytogenetic location: 13q12.11.
Variant type: single nucleotide variant.
Coding change: c.443C>T on transcript NM_021954.4 (MANE Select); coding-DNA position 443, C replaced by T.
Protein change: p.Thr148Ile; replaces threonine 148 with isoleucine.
Molecular consequence: missense variant.
Genome position (GRCh38, 1-based): chr13:20,142,846, G>A on the plus strand (C>T on the coding strand, the complement: GJA3 is on the minus strand). VCF-style: chr13-20142846-G-A. GRCh37 (hg19) VCF-style: chr13-20716985-G-A.
Other names: short protein forms T148I.
Identifiers: ClinVar variation 536414 (VCV000536414.9), dbSNP rs1555339477, ClinGen allele CA387464817.
Genomic context (GRCh38, chr13:20,142,846, plus strand): 5'-TACTGGCCGGCGATGAAGCCCACCTCGAACAGCGTCTTGAAGATGATGTTGAAGACGTAG[G>A]TCCGCAGCAGCGCCCCGGCCATGCGCACCCTGCCGCGGTCGTCCCGCGACGAGGGATTGT-3'
Protein context (NP_068773.2, residues 138-158): RVRMAGALLR[Thr148Ile]YVFNIIFKTL